The following is an entry in ClinVar:

NM_000487.6(ARSA):c.229G>T (p.Ala77Ser)

Gene: ARSA (arylsulfatase A; minus strand). Cytogenetic location: 22q13.33.
Variant type: single nucleotide variant.
Coding change: c.229G>T on transcript NM_000487.6 (MANE Select); coding-DNA position 229, G replaced by T.
Protein change: p.Ala77Ser; replaces alanine 77 with serine.
Molecular consequence: missense variant. On other transcripts: 5 prime UTR variant (2).
Genome position (GRCh38, 1-based): chr22:50,627,402, C>A on the plus strand (G>T on the coding strand, the complement: ARSA is on the minus strand). VCF-style: chr22-50627402-C-A. GRCh37 (hg19) VCF-style: chr22-51065830-C-A.
Other names: c.229G>T, p.Ala77Ser (NM_001085425.3, NM_001085426.3, NM_001085427.3); c.-30G>T (NM_001085428.3, NM_001362782.2); short protein forms A77S.
Identifiers: ClinVar variation 1422880 (VCV001422880.6), dbSNP rs763880042, ClinGen allele CA10325082.
Genomic context (GRCh38, chr22:50,627,402, plus strand): 5'-TGGGCACCAGGACGCCAGGGTACATGCCCATCCGAACCGGGAGCCGGCCGGTCAGGAGGG[C>A]GGCCCTGCGGGACAAGTCACAGAGTCCCTGAGACAGACAGAAATGTGGCCTTCCCTAGAG-3'
Protein context (NP_000478.3, residues 67-87): PVSLCTPSRA[Ala77Ser]LLTGRLPVRM

ClinVar aggregate classification (germline): Uncertain significance. Review status: criteria provided, multiple submitters, no conflicts (2 of 4 stars). 3 submissions from 3 submitters: Uncertain significance (3). Last evaluated 2024-03-25.

Conditions:
Metachromatic leukodystrophy (MLD). Also called: Cerebral sclerosis diffuse metachromatic form; ARSA DEFICIENCY; CEREBROSIDE SULFATASE DEFICIENCY; Arylsulfatase A Deficiency; METACHROMATIC LEUKOENCEPHALOPATHY; SULFATIDE LIPIDOSIS. Identifiers: Orphanet 512, MedGen C0023522, MONDO:0018868, OMIM 250100.

Allele frequency attached by ClinVar (database versions not stated): TOPMed below 0.00001; gnomAD exomes 0.00003; ExAC 0.00004.

Submissions (3):

Women's Health and Genetics/Laboratory Corporation of America, LabCorp
Classification: Uncertain significance. Last evaluated: 2024-03-25. Review status: criteria provided, single submitter. Criteria: LabCorp Variant Classification Summary - May 2015. Collection method: clinical testing. Allele origin: germline.

GeneDx
Classification: Uncertain significance. Last evaluated: 2022-06-30. Review status: criteria provided, single submitter. Criteria: GeneDx Variant Classification Process June 2021. Collection method: clinical testing. Allele origin: germline. Affected: yes.
Comment: In silico analysis supports that this missense variant does not alter protein structure/function; Has not been previously published as pathogenic or benign to our knowledge

Labcorp Genetics (formerly Invitae), Labcorp
Classification: Uncertain significance for Metachromatic leukodystrophy. Last evaluated: 2022-04-20. Review status: criteria provided, single submitter. Criteria: Invitae Variant Classification Sherloc (09022015). Collection method: clinical testing. Allele origin: germline.
Comment: This sequence change replaces alanine, which is neutral and non-polar, with serine, which is neutral and polar, at codon 77 of the ARSA protein (p.Ala77Ser). The frequency data for this variant in the population databases is considered unreliable, as metrics indicate poor data quality at this position in the gnomAD database. This variant has not been reported in the literature in individuals affected with ARSA-related conditions. Advanced modeling of protein sequence and biophysical properties (such as structural, functional, and spatial information, amino acid conservation, physicochemical variation, residue mobility, and thermodynamic stability) performed at Invitae indicates that this missense variant is expected to disrupt ARSA protein function. In summary, the available evidence is currently insufficient to determine the role of this variant in disease. Therefore, it has been classified as a Variant of Uncertain Significance.